The following is an entry in ClinVar:

NM_003786.4(ABCC3):c.1410C>T (p.Ala470=)

Gene: ABCC3 (ATP binding cassette subfamily C member 3; plus strand). Cytogenetic location: 17q21.33.
Variant type: single nucleotide variant.
Coding change: c.1410C>T on transcript NM_003786.4 (MANE Select); coding-DNA position 1410, C replaced by T.
Protein change: p.Ala470=; no amino-acid change (alanine 470 retained).
Molecular consequence: synonymous variant.
Genome position (GRCh38, 1-based): chr17:50,665,224, C>T. VCF-style: chr17-50665224-C-T. GRCh37 (hg19) VCF-style: chr17-48742585-C-T.
Other names: c.1410C>T, p.Ala470= (NM_001144070.2).
Identifiers: ClinVar variation 2647943 (VCV002647943.24), dbSNP rs200648160, ClinGen allele CA8654437.

ClinVar aggregate classification (germline): Likely benign (1 of 4 stars; one submission).

Allele frequency attached by ClinVar (database versions not stated): ExAC 0.00010; TOPMed 0.00011; gnomAD 0.00013; 1000 Genomes Project 0.00040; 1000 Genomes Project 30x 0.00047.
gnomAD v4.1: 97 of 1,614,144 alleles (0.006%); highest among the groups gnomAD compares: African/African-American, 0.031%; no homozygotes.

Submission:

CeGaT Center for Human Genetics Tuebingen
Classification: Likely benign. Last evaluated: 2023-04-01. Review status: criteria provided, single submitter. Criteria: CeGaT Center For Human Genetics Tuebingen Variant Classification Criteria Version 2. Collection method: clinical testing. Allele origin: germline. Affected: yes. Observed: 1 variant allele.
Comment: ABCC3: BP4, BP7